The following is an entry in ClinVar:

NM_005993.5(TBCD):c.1527del (p.Ala510fs)

Gene: TBCD (tubulin folding cofactor D). Cytogenetic location: 17q25.3.
Variant type: Deletion.
Coding change: c.1527del on transcript NM_005993.5 (MANE Select); coding-DNA position 1527, one base deleted.
Protein change: p.Ala510fs; shifts the reading frame from alanine 510.
Molecular consequence: frameshift variant.
Genome position: GRCh38 VCF-style: chr17-82884195-CA-C. GRCh37 (hg19) VCF-style: chr17-80842071-CA-C.
Other names: c.1476del, p.Ala493fs (NM_001411101.1); c.1527del, p.Ala510fs (NM_001411102.1); short protein forms A493fs, A510fs.
Identifiers: ClinVar variation 2758224 (VCV002758224.3), dbSNP rs2510088678, ClinGen allele CA2697555307.

ClinVar aggregate classification (germline): Pathogenic (1 of 4 stars; one submission).

Submission:

Labcorp Genetics (formerly Invitae), Labcorp
Classification: Pathogenic. Last evaluated: 2023-06-02. Review status: criteria provided, single submitter. Criteria: Invitae Variant Classification Sherloc (09022015). Collection method: clinical testing. Allele origin: germline.
Comment: For these reasons, this variant has been classified as Pathogenic. This variant has not been reported in the literature in individuals affected with TBCD-related conditions. This variant is not present in population databases (gnomAD no frequency). This sequence change creates a premature translational stop signal (p.Ala510Profs*22) in the TBCD gene. It is expected to result in an absent or disrupted protein product. Loss-of-function variants in TBCD are known to be pathogenic (PMID: 27666370, 27666374).

Literature cited by the submitters: PubMed 27666370; PubMed 27666374.